The following is an entry in ClinVar:

NM_001349884.2(DRAM2):c.479T>C (p.Leu160Pro)

Gene: DRAM2 (DNA damage regulated autophagy modulator 2; minus strand). Cytogenetic location: 1p13.3.
Variant type: single nucleotide variant.
Coding change: c.479T>C on transcript NM_001349884.2 (MANE Select); coding-DNA position 479, T replaced by C.
Protein change: p.Leu160Pro; replaces leucine 160 with proline.
Molecular consequence: missense variant. On other transcripts: non-coding transcript variant (8).
Genome position (GRCh38, 1-based): chr1:111,120,554, A>G on the plus strand (T>C on the coding strand, the complement: DRAM2 is on the minus strand). VCF-style: chr1-111120554-A-G. GRCh37 (hg19) VCF-style: chr1-111663176-A-G.
Other names: c.479T>C, p.Leu160Pro (NM_001349881.2, NM_001349882.2, NM_001349885.2 and 1 more transcripts); c.209T>C, p.Leu70Pro (NM_001349886.2, NM_001349887.2, NM_001349888.2); c.89T>C, p.Leu30Pro (NM_001349889.2, NM_001349890.2, NM_001349891.2 and 2 more transcripts); short protein forms L70P, L160P, L30P.
Identifiers: ClinVar variation 1439903 (VCV001439903.8), dbSNP rs1649847193, ClinGen allele CA341818807.
Genomic context (GRCh38, chr1:111,120,554, plus strand): 5'-CACATTGTACAGTGAAGGATACTGCTAAGTGCACTTACTCCACACCAGATAACCAACAAC[A>G]GTCTGATCCAGAAGACTTGTTTGCCATGGATTTTGGGCTGCATTTGGTAGGAAAGGATGG-3'
Protein context (NP_001336813.1, residues 150-170): IHGKQVFWIR[Leu160Pro]LLVIWCGVSA

ClinVar aggregate classification (germline): Uncertain significance (1 of 4 stars; one submission).

Allele frequency attached by ClinVar (database versions not stated): TOPMed below 0.00001; gnomAD 0.00001.

Submission:

Labcorp Genetics (formerly Invitae), Labcorp
Classification: Uncertain significance. Last evaluated: 2021-02-03. Review status: criteria provided, single submitter. Criteria: Invitae Variant Classification Sherloc (09022015). Collection method: clinical testing. Allele origin: germline.
Comment: In summary, the available evidence is currently insufficient to determine the role of this variant in disease. Therefore, it has been classified as a Variant of Uncertain Significance. Algorithms developed to predict the effect of missense changes on protein structure and function are either unavailable or do not agree on the potential impact of this missense change (SIFT: "Deleterious"; PolyPhen-2: "Probably Damaging"; Align-GVGD: "Class C0"). This variant has not been reported in the literature in individuals with DRAM2-related conditions. This variant is not present in population databases (ExAC no frequency). This sequence change replaces leucine with proline at codon 160 of the DRAM2 protein (p.Leu160Pro). The leucine residue is highly conserved and there is a moderate physicochemical difference between leucine and proline.